The following is an entry in ClinVar:

ClinVar aggregate classification (germline): Uncertain significance (1 of 4 stars; one submission).

Submission:

Ambry Genetics
Classification: Uncertain significance. Last evaluated: 2024-07-31. Review status: criteria provided, single submitter. Criteria: Ambry Variant Classification Scheme 2023. Collection method: clinical testing. Allele origin: germline.
Comment: The p.Y770C variant (also known as c.2309A>G), located in coding exon 15 of the RINT1 gene, results from an A to G substitution at nucleotide position 2309. The tyrosine at codon 770 is replaced by cysteine, an amino acid with highly dissimilar properties. This amino acid position is conserved. In addition, the in silico prediction for this alteration is inconclusive. Since supporting evidence is limited at this time, the clinical significance of this alteration remains unclear.

NM_021930.6(RINT1):c.2309A>G (p.Tyr770Cys)

Genes: EFCAB10 (EF-hand calcium binding domain 10; minus strand), RINT1 (RAD50 interactor 1; plus strand). Cytogenetic location: 7q22.3.
Variant type: single nucleotide variant.
Coding change: c.2309A>G on transcript NM_021930.6 (MANE Select); coding-DNA position 2309, A replaced by G.
Protein change: p.Tyr770Cys; replaces tyrosine 770 with cysteine.
Molecular consequence: missense variant. On other transcripts: 3 prime UTR variant (2), non-coding transcript variant (1), intron variant (3).
Genome position (GRCh38, 1-based): chr7:105,567,241, A>G. VCF-style: chr7-105567241-A-G. GRCh37 (hg19) VCF-style: chr7-105207688-A-G.
Other names: c.*213T>C (NM_001355527.2, NM_001355529.2); c.2075A>G, p.Tyr692Cys (NM_001346599.2); c.1286A>G, p.Tyr429Cys (NM_001346600.2, NM_001346603.2); c.1385A>G, p.Tyr462Cys (NM_001346601.2); c.360-1794T>C (NM_001355531.2); c.383+226T>C (NM_001355526.2, NM_001355530.2); short protein forms Y692C, Y429C, Y462C, Y770C.
Identifiers: ClinVar variation 1789392 (VCV001789392.3), dbSNP rs2485203332, ClinGen allele CA368815606.